The following is an entry in ClinVar:

ClinVar aggregate classification (germline): Pathogenic. Review status: criteria provided, single submitter (1 of 4 stars). 2 submissions from 2 submitters: Pathogenic (1). 1 of the submissions does not count toward it. Last evaluated 2023-09-07.

Conditions:
Familial cancer of breast. Also called: BREAST CANCER, FAMILIAL; Hereditary breast cancer; hereditary breast carcinoma. Identifiers: Orphanet 227535, MedGen C0346153, MONDO:0016419, OMIM 114480. Disease mechanism: loss of function.

Submissions (2):

Myriad Genetics, Inc.
Classification: Pathogenic for Familial cancer of breast. Last evaluated: 2023-09-07. Review status: criteria provided, single submitter. Criteria: Myriad Autosomal Dominant, Autosomal Recessive and X-Linked Classification Criteria (2023). Collection method: clinical testing. Allele origin: unknown.
Comment: This variant is considered pathogenic. This variant creates a frameshift predicted to result in premature protein truncation.

Leiden Open Variation Database
Classification: Pathogenic. Last evaluated: 2019-05-13. Review status: no assertion criteria provided. Collection method: curation. Allele origin: germline. Affected: yes. Not counted in ClinVar's aggregate classification.
Comment: Curators: Marc Tischkowitz, Arleen D. Auerbach. Submitter to LOVD: James Whitworth.

NM_024675.4(PALB2):c.756dup (p.Leu253fs)

Gene: PALB2 (partner and localizer of BRCA2; minus strand). Cytogenetic location: 16p12.2.
Variant type: Duplication.
Coding change: c.756dup on transcript NM_024675.4 (MANE Select); coding-DNA position 756, one base duplicated (T; older notation c.756dupT).
Protein change: p.Leu253fs; shifts the reading frame from leucine 253.
Molecular consequence: frameshift variant.
Genome position (GRCh38, 1-based): chr16:23,635,790, A duplicated on the plus strand (T on the coding strand, the reverse complement: PALB2 is on the minus strand). VCF-style (leftmost placement, unchanged base first): chr16-23635789-G-GA. GRCh37 (hg19) VCF-style: chr16-23647110-G-GA.
Other names: short protein forms L253fs.
Identifiers: ClinVar variation 830116 (VCV000830116.2), dbSNP rs1967023691, ClinGen allele CA916081822.